The following is an entry in ClinVar:

NM_002471.4(MYH6):c.1816G>A (p.Val606Ile)

Gene: MYH6 (myosin heavy chain 6; minus strand). Cytogenetic location: 14q11.2.
Variant type: single nucleotide variant.
Coding change: c.1816G>A on transcript NM_002471.4 (MANE Select); coding-DNA position 1816, G replaced by A.
Protein change: p.Val606Ile; replaces valine 606 with isoleucine.
Molecular consequence: missense variant.
Genome position (GRCh38, 1-based): chr14:23,398,803, C>T on the plus strand (G>A on the coding strand, the complement: MYH6 is on the minus strand). VCF-style: chr14-23398803-C-T. GRCh37 (hg19) VCF-style: chr14-23868012-C-T.
Other names: short protein forms V606I.
Identifiers: ClinVar variation 1354478 (VCV001354478.12), dbSNP rs772688148, ClinGen allele CA7115706.

ClinVar aggregate classification (germline): Uncertain significance. Review status: criteria provided, multiple submitters, no conflicts (2 of 4 stars). 3 submissions from 3 submitters: Uncertain significance (3). Last evaluated 2025-07-16.

Conditions:
Cardiovascular phenotype. Identifiers: MedGen CN230736.
Hypertrophic cardiomyopathy 14. Identifiers: MedGen C2750467, MONDO:0013197, OMIM 613251.

Allele frequency attached by ClinVar (database versions not stated): gnomAD exomes below 0.00001; ExAC 0.00001; gnomAD 0.00001.
gnomAD v4.1: 1 of 1,614,092 alleles (0.000062%); highest among the groups gnomAD compares: Non-Finnish European, 0.000085%; no homozygotes.

Submissions (3):

GeneDx
Classification: Uncertain significance. Last evaluated: 2025-07-16. Review status: criteria provided, single submitter. Criteria: GeneDx Variant Classification Process June 2021. Collection method: clinical testing. Allele origin: germline. Affected: yes.
Comment: Identified in a patient with hypoplastic left heart syndrome (HLHS) in published literature (PMID: 33325730); Not observed at significant frequency in large population cohorts (gnomAD); In silico analysis suggests that this missense variant does not alter protein structure/function; This variant is associated with the following publications: (PMID: 33325730)

Ambry Genetics
Classification: Uncertain significance for Cardiovascular phenotype. Last evaluated: 2025-06-16. Review status: criteria provided, single submitter. Criteria: Ambry Variant Classification Scheme 2023. Collection method: clinical testing. Allele origin: germline.
Comment: The p.V606I variant (also known as c.1816G>A), located in coding exon 13 of the MYH6 gene, results from a G to A substitution at nucleotide position 1816. The valine at codon 606 is replaced by isoleucine, an amino acid with highly similar properties. This amino acid position is conserved. In addition, the in silico prediction for this alteration is inconclusive. Since supporting evidence is limited at this time, the clinical significance of this alteration remains unclear.

Labcorp Genetics (formerly Invitae), Labcorp
Classification: Uncertain significance for Hypertrophic cardiomyopathy 14. Last evaluated: 2021-03-07. Review status: criteria provided, single submitter. Criteria: Invitae Variant Classification Sherloc (09022015). Collection method: clinical testing. Allele origin: germline.
Comment: This sequence change replaces valine with isoleucine at codon 606 of the MYH6 protein (p.Val606Ile). The valine residue is weakly conserved and there is a small physicochemical difference between valine and isoleucine. This variant is present in population databases (rs772688148, ExAC 0.001%). This variant has not been reported in the literature in individuals with MYH6-related conditions. Algorithms developed to predict the effect of missense changes on protein structure and function (SIFT, PolyPhen-2, Align-GVGD) all suggest that this variant is likely to be tolerated, but these predictions have not been confirmed by published functional studies and their clinical significance is uncertain. In summary, the available evidence is currently insufficient to determine the role of this variant in disease. Therefore, it has been classified as a Variant of Uncertain Significance.